The following is an entry in ClinVar:

ClinVar aggregate classification (germline): Uncertain significance (1 of 4 stars; one submission).

Conditions:
Cardiovascular phenotype. Identifiers: MedGen CN230736.

Allele frequency attached by ClinVar (database versions not stated): gnomAD 0.00001; TOPMed 0.00002.

Submission:

Ambry Genetics
Classification: Uncertain significance for Cardiovascular phenotype. Last evaluated: 2021-11-14. Review status: criteria provided, single submitter. Criteria: Ambry Variant Classification Scheme 2023. Collection method: clinical testing. Allele origin: germline.
Comment: The p.Q257K variant (also known as c.769C>A), located in coding exon 7 of the NEXN gene, results from a C to A substitution at nucleotide position 769. The glutamine at codon 257 is replaced by lysine, an amino acid with similar properties. This amino acid position is conserved. In addition, this alteration is predicted to be tolerated by in silico analysis. Since supporting evidence is limited at this time, the clinical significance of this alteration remains unclear.

NM_144573.4(NEXN):c.769C>A (p.Gln257Lys)

Gene: NEXN (nexilin F-actin binding protein; plus strand). Cytogenetic location: 1p31.1.
Variant type: single nucleotide variant.
Coding change: c.769C>A on transcript NM_144573.4 (MANE Select); coding-DNA position 769, C replaced by A.
Protein change: p.Gln257Lys; replaces glutamine 257 with lysine.
Molecular consequence: missense variant.
Genome position (GRCh38, 1-based): chr1:77,926,797, C>A. VCF-style: chr1-77926797-C-A. GRCh37 (hg19) VCF-style: chr1-78392482-C-A.
Other names: c.577C>A, p.Gln193Lys (NM_001172309.2); short protein forms Q257K, Q193K.
Identifiers: ClinVar variation 1760175 (VCV001760175.2), dbSNP rs1166535653, ClinGen allele CA340874031.